The following is an entry in ClinVar:

ClinVar aggregate classification (germline): Uncertain significance (1 of 4 stars; one submission).

Conditions:
MAGEL2-related disorder. Also called: MAGEL2-related condition.

Submission:

PreventionGenetics, part of Exact Sciences
Classification: Uncertain significance for MAGEL2-related condition. Last evaluated: 2023-01-11. Review status: criteria provided, single submitter. Criteria: ACMG Guidelines, 2015. Collection method: clinical testing. Allele origin: germline.
Comment: The MAGEL2 c.1265C>G variant is predicted to result in the amino acid substitution p.Pro422Arg. To our knowledge, this variant has not been reported in the literature. This variant is reported in 0.0046% of alleles in individuals of European (Non-Finnish) descent in gnomAD. At this time, the clinical significance of this variant is uncertain due to the absence of conclusive functional and genetic evidence.

NM_019066.5(MAGEL2):c.1265C>G (p.Pro422Arg)

Gene: MAGEL2 (MAGE family member L2; minus strand). Cytogenetic location: 15q11.2.
Variant type: single nucleotide variant.
Coding change: c.1265C>G on transcript NM_019066.5 (MANE Select); coding-DNA position 1265, C replaced by G.
Protein change: p.Pro422Arg; replaces proline 422 with arginine.
Molecular consequence: missense variant.
Genome position (GRCh38, 1-based): chr15:23,646,478, G>C on the plus strand (C>G on the coding strand, the complement: MAGEL2 is on the minus strand). VCF-style: chr15-23646478-G-C. GRCh37 (hg19) VCF-style: chr15-23891625-G-C.
Other names: short protein forms P422R.
Identifiers: ClinVar variation 2636844 (VCV002636844.1), dbSNP rs1484822926, ClinGen allele CA391334713.